The following is an entry in ClinVar:

NM_000051.4(ATM):c.970dup (p.Ser324fs)

Gene: ATM (ATM serine/threonine kinase; plus strand). Cytogenetic location: 11q22.3.
Variant type: Duplication.
Coding change: c.970dup on transcript NM_000051.4 (MANE Select); coding-DNA position 970, one base duplicated (A; older notation c.970dupA).
Protein change: p.Ser324fs; shifts the reading frame from serine 324.
Molecular consequence: frameshift variant.
Genome position (GRCh38, 1-based): chr11:108,247,032, A duplicated; the last of 2 consecutive A bases (chr11:108,247,031-108,247,032); duplicating either gives the same sequence. VCF-style (leftmost placement, unchanged base first): chr11-108247030-T-TA. GRCh37 (hg19) VCF-style: chr11-108117757-T-TA.
Other names: c.970dup, p.Ser324fs (NM_001351834.2); c.970dupA (NM_000051.3); short protein forms S324fs.
Identifiers: ClinVar variation 2587820 (VCV002587820.4), dbSNP rs2497180498, ClinGen allele CA2582342452.

ClinVar aggregate classification (germline): Pathogenic/Likely pathogenic. Review status: criteria provided, multiple submitters, no conflicts (2 of 4 stars). 3 submissions from 3 submitters: Pathogenic (2); Likely pathogenic (1). Last evaluated 2025-01-29.

Conditions:
Ataxia-telangiectasia syndrome (AT). Also called: Cerebello-oculocutaneous telangiectasia; Immunodeficiency with ataxia telangiectasia; Ataxia-telangiectasia, complementation group D; ATAXIA-TELANGIECTASIA, COMPLEMENTATION GROUP A; ATAXIA-TELANGIECTASIA, FRESNO VARIANT; Ataxia-telangiectasia. Identifiers: Orphanet 100, MedGen C0004135, MONDO:0008840, OMIM 208900.
Hereditary cancer-predisposing syndrome. Also called: Tumor predisposition; Neoplastic Syndromes, Hereditary; Hereditary Cancer Syndrome; Hereditary neoplastic syndrome. Identifiers: Orphanet 140162, MedGen C0027672, MeSH D009386, MONDO:0015356.
Familial cancer of breast. Also called: Hereditary breast cancer; hereditary breast carcinoma; BREAST CANCER, FAMILIAL. Identifiers: Orphanet 227535, MedGen C0346153, MONDO:0016419, OMIM 114480. Disease mechanism: loss of function.

Submissions (3):

Labcorp Genetics (formerly Invitae), Labcorp
Classification: Pathogenic for Ataxia-telangiectasia syndrome. Last evaluated: 2025-01-29. Review status: criteria provided, single submitter. Criteria: Invitae Variant Classification Sherloc (09022015). Collection method: clinical testing. Allele origin: germline.
Comment: This sequence change creates a premature translational stop signal (p.Ser324Lysfs*6) in the ATM gene. It is expected to result in an absent or disrupted protein product. Loss-of-function variants in ATM are known to be pathogenic (PMID: 23807571, 25614872). This variant is not present in population databases (gnomAD no frequency). This variant has not been reported in the literature in individuals affected with ATM-related conditions. ClinVar contains an entry for this variant (Variation ID: 2587820). Algorithms developed to predict the effect of sequence changes on RNA splicing suggest that this variant may disrupt the consensus splice site. For these reasons, this variant has been classified as Pathogenic.

Ambry Genetics
Classification: Pathogenic for Hereditary cancer-predisposing syndrome. Last evaluated: 2023-09-14. Review status: criteria provided, single submitter. Criteria: Ambry Variant Classification Scheme 2023. Collection method: clinical testing. Allele origin: germline.
Comment: The c.970dupA pathogenic mutation, located in coding exon 7 of the ATM gene, results from a duplication of A at nucleotide position 970, causing a translational frameshift with a predicted alternate stop codon (p.S324Kfs*6). This variant is considered to be rare based on population cohorts in the Genome Aggregation Database (gnomAD). This alteration is expected to result in loss of function by premature protein truncation or nonsense-mediated mRNA decay. As such, this alteration is interpreted as a disease-causing mutation.

Baylor Genetics
Classification: Likely pathogenic for Familial cancer of breast. Last evaluated: 2022-12-15. Review status: criteria provided, single submitter. Criteria: ACMG Guidelines, 2015. Collection method: clinical testing. Allele origin: unknown.

Literature cited by the submitters: PubMed 23807571 (cited by Labcorp Genetics (formerly Invitae), Labcorp); PubMed 25614872 (cited by Labcorp Genetics (formerly Invitae), Labcorp).